The following is an entry in ClinVar:

ClinVar aggregate classification (germline): Uncertain significance (1 of 4 stars; one submission).

Submission:

Labcorp Genetics (formerly Invitae), Labcorp
Classification: Uncertain significance. Last evaluated: 2022-05-29. Review status: criteria provided, single submitter. Criteria: Invitae Variant Classification Sherloc (09022015). Collection method: clinical testing. Allele origin: germline.
Comment: In summary, the available evidence is currently insufficient to determine the role of this variant in disease. Therefore, it has been classified as a Variant of Uncertain Significance. Algorithms developed to predict the effect of missense changes on protein structure and function are either unavailable or do not agree on the potential impact of this missense change (SIFT: "Deleterious"; PolyPhen-2: "Probably Damaging"; Align-GVGD: "Class C0"). This variant has not been reported in the literature in individuals affected with HMCN1-related conditions. This variant is not present in population databases (gnomAD no frequency). This sequence change replaces glutamine, which is neutral and polar, with histidine, which is basic and polar, at codon 2007 of the HMCN1 protein (p.Gln2007His).

NM_031935.3(HMCN1):c.6021A>C (p.Gln2007His)

Gene: HMCN1 (hemicentin 1; plus strand). Cytogenetic location: 1q31.1.
Variant type: single nucleotide variant.
Coding change: c.6021A>C on transcript NM_031935.3 (MANE Select); coding-DNA position 6021, A replaced by C.
Protein change: p.Gln2007His; replaces glutamine 2007 with histidine.
Molecular consequence: missense variant.
Genome position (GRCh38, 1-based): chr1:186,038,998, A>C. VCF-style: chr1-186038998-A-C. GRCh37 (hg19) VCF-style: chr1-186008130-A-C.
Other names: short protein forms Q2007H.
Identifiers: ClinVar variation 2000248 (VCV002000248.4), dbSNP rs1650978688, ClinGen allele CA343898554.
Genomic context (GRCh38, chr1:186,038,998, plus strand): 5'-CATATATAAATGCGTGGCCATCAACTCAGCTGGAGCTACAGAGTTATTTTACAGTCTGCA[A>C]GTTCATGGTTAGTGCCACTTCACCTAGATTCATTCTGGGGTAAAGAAGCATTCAAAATGA-3'
Protein context (NP_114141.2, residues 1997-2017): AGATELFYSL[Gln2007His]VHVAPSISGS